The following is an entry in ClinVar:

NM_133459.4(CCBE1):c.*3710A>G

Gene: CCBE1 (collagen and calcium binding EGF domains 1; minus strand). Cytogenetic location: 18q21.32.
Variant type: single nucleotide variant.
Coding change: c.*3710A>G on transcript NM_133459.4 (MANE Select); 3710 bases downstream of the stop codon, A replaced by G.
Molecular consequence: 3 prime UTR variant.
Genome position (GRCh38, 1-based): chr18:59,432,198, T>C on the plus strand (A>G on the coding strand, the complement: CCBE1 is on the minus strand). VCF-style: chr18-59432198-T-C. GRCh37 (hg19) VCF-style: chr18-57099430-T-C.
Other names: c.*3710A>G (LRG_1209t1).
Identifiers: ClinVar variation 327607 (VCV000327607.5), dbSNP rs371219962, ClinGen allele CA10652022.

ClinVar aggregate classification (germline): Likely benign (1 of 4 stars; one submission).

Conditions:
Hennekam lymphangiectasia-lymphedema syndrome 1 (HKLLS1). Also called: LYMPHATIC DYSPLASIA, GENERALIZED. Identifiers: Orphanet 2136, MedGen C4012050, MONDO:0009337, OMIM 235510.

Allele frequency attached by ClinVar (database versions not stated): TOPMed 0.00066; gnomAD 0.00100 and 0.00061; 1000 Genomes Project 0.00240; 1000 Genomes Project 30x 0.00250.

Submission:

Illumina Laboratory Services, Illumina
Classification: Likely benign for Hennekam lymphangiectasia-lymphedema syndrome 1. Last evaluated: 2018-01-12. Review status: criteria provided, single submitter. Criteria: ICSL Variant Classification Criteria 13 December 2019. Collection method: clinical testing. Allele origin: germline.
Comment: This variant was observed in the ICSL laboratory as part of a predisposition screen in an ostensibly healthy population. It had not been previously curated by ICSL or reported in the Human Gene Mutation Database (HGMD: prior to June 1st, 2018), and was therefore a candidate for classification through an automated scoring system. Utilizing variant allele frequency, disease prevalence and penetrance estimates, and inheritance mode, an automated score was calculated to assess if this variant is too frequent to cause the disease. Based on the score and internal cut-off values, a variant classified as likely benign is not then subjected to further curation. The score for this variant resulted in a classification of likely benign for this disease.